The following is an entry in ClinVar:

ClinVar aggregate classification (germline): Uncertain significance (1 of 4 stars; one submission).

Conditions:
Pontocerebellar hypoplasia type 2D (PCH2D). Also called: Progressive cerebello-cerebral atrophy. Identifiers: Orphanet 247198, Orphanet 2524, MedGen C3151140, MONDO:0013438, OMIM 613811.

Allele frequency attached by ClinVar (database versions not stated): gnomAD 0.00001; gnomAD exomes 0.00001; TOPMed 0.00002; ExAC 0.00002; ESP Exome Variant Server 0.00008.

Submission:

Baylor Genetics
Classification: Uncertain significance for Pontocerebellar hypoplasia type 2D. Last evaluated: 2020-07-08. Review status: criteria provided, single submitter. Criteria: ACMG Guidelines, 2015. Collection method: clinical testing. Allele origin: unknown. Affected: yes.
Comment: This variant was determined to be of uncertain significance according to ACMG Guidelines, 2015 [PMID:25741868].

NM_016955.4(SEPSECS):c.256C>T (p.Arg86Cys)

Gene: SEPSECS (Sep (O-phosphoserine) tRNA:Sec (selenocysteine) tRNA synthase; minus strand). Cytogenetic location: 4p15.2.
Variant type: single nucleotide variant.
Coding change: c.256C>T on transcript NM_016955.4 (MANE Select); coding-DNA position 256, C replaced by T.
Protein change: p.Arg86Cys; replaces arginine 86 with cysteine.
Molecular consequence: missense variant.
Genome position (GRCh38, 1-based): chr4:25,158,966, G>A on the plus strand (C>T on the coding strand, the complement: SEPSECS is on the minus strand). VCF-style: chr4-25158966-G-A. GRCh37 (hg19) VCF-style: chr4-25160588-G-A.
Other names: short protein forms R86C.
Identifiers: ClinVar variation 1028038 (VCV001028038.1), dbSNP rs373439857, ClinGen allele CA2877511.